The following is an entry in ClinVar:

ClinVar aggregate classification (germline): Uncertain significance (1 of 4 stars; one submission).

Conditions:
Pyruvate dehydrogenase E3 deficiency (DLDD). Also called: Dihydrolipoamide Dehydrogenase (E3) Deficiency; MAPLE SYRUP URINE DISEASE, TYPE III; DLD DEFICIENCY; E3 DEFICIENCY; Dihydrolipoamide Dehydrogenase E3 Deficiency; Lipoamide dehydrogenase deficiency, lactic acidosis due to. Identifiers: Orphanet 2394, Orphanet 765, MedGen C5574660, MONDO:0009529, OMIM 246900.

Allele frequency attached by ClinVar (database versions not stated): TOPMed below 0.00001; gnomAD 0.00001; gnomAD exomes 0.00002; ExAC 0.00005.

Submission:

Labcorp Genetics (formerly Invitae), Labcorp
Classification: Uncertain significance for Pyruvate dehydrogenase E3 deficiency. Last evaluated: 2022-06-27. Review status: criteria provided, single submitter. Criteria: Invitae Variant Classification Sherloc (09022015). Collection method: clinical testing. Allele origin: germline.
Comment: This sequence change replaces tyrosine, which is neutral and polar, with cysteine, which is neutral and slightly polar, at codon 351 of the DLD protein (p.Tyr351Cys). This variant is present in population databases (rs747046650, gnomAD 0.02%). This variant has not been reported in the literature in individuals affected with DLD-related conditions. Algorithms developed to predict the effect of missense changes on protein structure and function (SIFT, PolyPhen-2, Align-GVGD) all suggest that this variant is likely to be disruptive. In summary, the available evidence is currently insufficient to determine the role of this variant in disease. Therefore, it has been classified as a Variant of Uncertain Significance.

NM_000108.5(DLD):c.1052A>G (p.Tyr351Cys)

Gene: DLD (dihydrolipoamide dehydrogenase; plus strand). Cytogenetic location: 7q31.1.
Variant type: single nucleotide variant.
Coding change: c.1052A>G on transcript NM_000108.5 (MANE Select); coding-DNA position 1052, A replaced by G.
Protein change: p.Tyr351Cys; replaces tyrosine 351 with cysteine.
Molecular consequence: missense variant.
Genome position (GRCh38, 1-based): chr7:107,917,278, A>G. VCF-style: chr7-107917278-A-G. GRCh37 (hg19) VCF-style: chr7-107557723-A-G.
Other names: c.755A>G, p.Tyr252Cys (NM_001289750.1); c.983A>G, p.Tyr328Cys (NM_001289751.1); c.908A>G, p.Tyr303Cys (NM_001289752.1); short protein forms Y252C, Y303C, Y351C, Y328C.
Identifiers: ClinVar variation 2191280 (VCV002191280.1), dbSNP rs747046650, ClinGen allele CA4434624.
Genomic context (GRCh38, chr7:107,917,278, plus strand): 5'-GGTAAGTAGCTGTGATTTCAGAAATTCATTGTGTTTCTTTTGATTTCTGTGGTAGTATCT[A>G]TGCCATTGGTGATGTAGTTGCTGGTCCAATGCTGGCTCACAAAGCAGAGGATGAAGGCAT-3'
Protein context (NP_000099.2, residues 341-361): TRFQTKIPNI[Tyr351Cys]AIGDVVAGPM